The following is an entry in ClinVar:

NM_004208.4(AIFM1):c.1334T>C (p.Ile445Thr)

Genes: AIFM1 (apoptosis inducing factor mitochondria associated 1; minus strand), RAB33A (RAB33A, member RAS oncogene family; plus strand). Cytogenetic location: Xq26.1.
Variant type: single nucleotide variant.
Coding change: c.1334T>C on transcript NM_004208.4 (MANE Select); coding-DNA position 1334, T replaced by C.
Protein change: p.Ile445Thr; replaces isoleucine 445 with threonine.
Molecular consequence: missense variant. On other transcripts: 3 prime UTR variant (1), non-coding transcript variant (1).
Genome position (GRCh38, 1-based): chrX:130,133,427, A>G on the plus strand (T>C on the coding strand, the complement: AIFM1 is on the minus strand). VCF-style: chrX-130133427-A-G. GRCh37 (hg19) VCF-style: chrX-129267402-A-G.
Other names: c.317T>C, p.Ile106Thr (NM_001130846.4); c.*562T>C (NM_001130847.4); c.1322T>C, p.Ile441Thr (NM_145812.3); short protein forms I106T, I445T, I441T.
Identifiers: ClinVar variation 1929152 (VCV001929152.5), dbSNP rs1307088189, ClinGen allele CA414573809.

ClinVar aggregate classification (germline): Uncertain significance (1 of 4 stars; one submission).

Conditions:
Combined oxidative phosphorylation deficiency. Identifiers: MedGen C4540031, MONDO:0000732.
Charcot-Marie-Tooth Neuropathy X. Identifiers: MedGen CN118851.

Allele frequency attached by ClinVar (database versions not stated): gnomAD exomes below 0.00001; TOPMed 0.00001; gnomAD 0.00002.
gnomAD v4.1: 6 of 1,208,158 alleles (0.0005%); highest among the groups gnomAD compares: Non-Finnish European, 0.00067%; no homozygotes.

Submission:

Labcorp Genetics (formerly Invitae), Labcorp
Classification: Uncertain significance for Charcot-Marie-Tooth Neuropathy X; Combined oxidative phosphorylation deficiency. Last evaluated: 2022-03-26. Review status: criteria provided, single submitter. Criteria: Invitae Variant Classification Sherloc (09022015). Collection method: clinical testing. Allele origin: germline.
Comment: In summary, the available evidence is currently insufficient to determine the role of this variant in disease. Therefore, it has been classified as a Variant of Uncertain Significance. Advanced modeling of protein sequence and biophysical properties (such as structural, functional, and spatial information, amino acid conservation, physicochemical variation, residue mobility, and thermodynamic stability) performed at Invitae indicates that this missense variant is not expected to disrupt AIFM1 protein function. This variant has not been reported in the literature in individuals affected with AIFM1-related conditions. This variant is present in population databases (no rsID available, gnomAD 0.02%). This sequence change replaces isoleucine, which is neutral and non-polar, with threonine, which is neutral and polar, at codon 445 of the AIFM1 protein (p.Ile445Thr).